The following is an entry in ClinVar:

ClinVar aggregate classification (germline): Pathogenic. Review status: criteria provided, multiple submitters, no conflicts (2 of 4 stars). 3 submissions from 3 submitters: Pathogenic (2). 1 of the submissions does not count toward it. Last evaluated 2025-07-14.

Conditions:
Retinitis pigmentosa 94, variable age at onset. Identifiers: MedGen C5676889, MONDO:0800328.
Leber congenital amaurosis 3 (LCA3). Also called: SPATA7-Related Retinitis Pigmentosa. Identifiers: MedGen C1858677, MONDO:0011415, OMIM 604232.

Allele frequency attached by ClinVar (database versions not stated): gnomAD exomes below 0.00001 and 0.00001; ExAC 0.00001; gnomAD 0.00001 and 0.00002; TOPMed 0.00004.

Submissions (3):

Labcorp Genetics (formerly Invitae), Labcorp
Classification: Pathogenic for Leber congenital amaurosis 3. Last evaluated: 2025-07-14. Review status: criteria provided, single submitter. Criteria: Invitae Variant Classification Sherloc (09022015). Collection method: clinical testing. Allele origin: germline.
Comment: This sequence change creates a premature translational stop signal (p.Val458Glufs*48) in the SPATA7 gene. While this is not anticipated to result in nonsense mediated decay, it is expected to disrupt the last 142 amino acid(s) of the SPATA7 protein. This variant is present in population databases (rs753697847, gnomAD 0.006%). This premature translational stop signal has been observed in individuals with SPATA7-related conditions (PMID: 26854980; internal data). ClinVar contains an entry for this variant (Variation ID: 503686). This variant disrupts the C-terminus of the SPATA7 protein. Other variant(s) that disrupt this region (p.Gln465Hisfs*41) have been observed in individuals with SPATA7-related conditions (PMID: 19268277). This suggests that this may be a clinically significant region of the protein. For these reasons, this variant has been classified as Pathogenic.

GeneDx
Classification: Pathogenic. Last evaluated: 2019-08-26. Review status: criteria provided, single submitter. Criteria: GeneDx Variant Classification Process June 2021. Collection method: clinical testing. Allele origin: germline. Affected: yes.
Comment: Frameshift variant predicted to result in protein truncation in a gene for which loss-of-function is a known mechanism of disease; Not observed at a significant frequency in large population cohorts (Lek et al., 2016); This variant is associated with the following publications: (PMID: 23847139, 26854980)

OMIM
Classification: Pathogenic for RETINITIS PIGMENTOSA 94, VARIABLE AGE AT ONSET. Last evaluated: 2022-06-28. Review status: no assertion criteria provided. Collection method: literature only. Allele origin: germline. Not counted in ClinVar's aggregate classification.

Literature cited by the submitters: PubMed 26854980 (cited by Labcorp Genetics (formerly Invitae), Labcorp and OMIM); PubMed 19268277 (cited by Labcorp Genetics (formerly Invitae), Labcorp).

NM_018418.5(SPATA7):c.1373del (p.Val458fs)

Gene: SPATA7 (spermatogenesis associated 7; plus strand). Cytogenetic location: 14q31.3.
Variant type: Deletion.
Coding change: c.1373del on transcript NM_018418.5 (MANE Select); coding-DNA position 1373, one base deleted (T; older notation c.1373delT).
Protein change: p.Val458fs; shifts the reading frame from valine 458.
Molecular consequence: frameshift variant.
Genome position (GRCh38, 1-based): chr14:88,437,995, T deleted. VCF-style (leftmost placement, unchanged base first): chr14-88437994-GT-G. GRCh37 (hg19) VCF-style: chr14-88904338-GT-G.
Other names: c.1373delT (NM_018418.4); c.1277del, p.Val426fs (NM_001040428.4); short protein forms V426fs, V458fs.
Identifiers: ClinVar variation 503686 (VCV000503686.10), dbSNP rs753697847, ClinGen allele CA7298799.